The following is an entry in ClinVar:

NM_001571.6(IRF3):c.438C>G (p.Asn146Lys)

Gene: IRF3 (interferon regulatory factor 3; minus strand). Cytogenetic location: 19q13.33.
Variant type: single nucleotide variant.
Coding change: c.438C>G on transcript NM_001571.6 (MANE Select); coding-DNA position 438, C replaced by G.
Protein change: p.Asn146Lys; replaces asparagine 146 with lysine.
Molecular consequence: missense variant. On other transcripts: 5 prime UTR variant (4), non-coding transcript variant (1).
Genome position (GRCh38, 1-based): chr19:49,662,588, G>C on the plus strand (C>G on the coding strand, the complement: IRF3 is on the minus strand). VCF-style: chr19-49662588-G-C. GRCh37 (hg19) VCF-style: chr19-50165845-G-C.
Other names: NC_000019.9:g.50165845G>C; c.438C>G, p.Asn146Lys (NM_001197122.2, NM_001197124.2); c.333C>G, p.Asn111Lys (NM_001197123.2); c.-1C>G (NM_001197125.2, NM_001197126.2, NM_001197127.2 and 1 more transcripts); short protein forms N111K, N146K.
Identifiers: ClinVar variation 2576018 (VCV002576018.2), dbSNP rs199550479, ClinGen allele CA9580430.
Genomic context (GRCh38, chr19:49,662,588, plus strand): 5'-GGGCTCAGGGGCTACAGCCAGGCTTGGGGGTCCCGGATCTGGGAGTGGGGCCAACACCAT[G>C]TTACCCAGTAACTCATCCAGAATGTCTTCCTGGAGGGAAACAAAAAAAGAGAATCAGGCA-3'
Protein context (NP_001562.1, residues 136-156): QEDILDELLG[Asn146Lys]MVLAPLPDPG

ClinVar aggregate classification (germline): Uncertain significance (1 of 4 stars; one submission).

Allele frequency attached by ClinVar (database versions not stated): gnomAD 0.00009; ExAC 0.00010; TOPMed 0.00014; ESP Exome Variant Server 0.00016.
gnomAD v4.1: 161 of 1,529,514 alleles (0.011%); highest among the groups gnomAD compares: Admixed American, 0.041%; no homozygotes.

Submissions (4):

Institute for Clinical Genetics, University Hospital TU Dresden, University Hospital TU Dresden
Classification: Uncertain significance. Last evaluated: 2021-06-02. Review status: criteria provided, single submitter. Criteria: ACMG Guidelines, 2015. Collection method: clinical testing. Allele origin: germline.
Comment: PM2_SUP

Dr. Peter K. Rogan Lab, Western University
No classification provided (evidence only). Condition: Colon adenocarcinoma. Review status: no classification provided. Collection method: in vitro. Allele origin: not applicable. Functional consequence: cryptic splice site, retained intron. Not counted in ClinVar's aggregate classification.

Dr. Peter K. Rogan Lab, Western University
No classification provided (evidence only). Condition: Cervical cancer. Review status: no classification provided. Collection method: in vitro. Allele origin: not applicable. Functional consequence: retained intron. Not counted in ClinVar's aggregate classification.

Dr. Peter K. Rogan Lab, Western University
No classification provided (evidence only). Condition: Sarcoma. Review status: no classification provided. Collection method: in vitro. Allele origin: not applicable. Functional consequence: cryptic splice site. Not counted in ClinVar's aggregate classification.